The following is an entry in ClinVar:

ClinVar aggregate classification (germline): Benign. Review status: criteria provided, multiple submitters, no conflicts (2 of 4 stars). 2 submissions from 2 submitters: Benign (2). Last evaluated 2018-06-14.

Allele frequency attached by ClinVar (database versions not stated): 1000 Genomes Project 0.80771; 1000 Genomes Project 30x 0.81027; TOPMed 0.87254; gnomAD 0.87811 and 0.88167; gnomAD exomes 0.89331.
gnomAD v4.1: 547,884 of 616,232 alleles (89%); highest among the groups gnomAD compares: Non-Finnish European, 92%; 245,548 homozygotes.

Submissions (2):

GeneDx
Classification: Benign. Last evaluated: 2018-06-14. Review status: criteria provided, single submitter. Criteria: GeneDx Variant Classification (06012015). Collection method: clinical testing. Allele origin: germline. Affected: yes.
Comment: This variant is considered likely benign or benign based on one or more of the following criteria: it is a conservative change, it occurs at a poorly conserved position in the protein, it is predicted to be benign by multiple in silico algorithms, and/or has population frequency not consistent with disease.

Breakthrough Genomics
Classification: Benign. Review status: criteria provided, single submitter. Criteria: ACMG Guidelines, 2015. Collection method: not provided. Allele origin: germline. Inheritance: Autosomal recessive inheritance. Affected: yes.

NM_001013703.4(EIF2AK4):c.3408-136T>C

Gene: EIF2AK4 (eukaryotic translation initiation factor 2 alpha kinase 4; plus strand). Cytogenetic location: 15q15.1.
Variant type: single nucleotide variant.
Coding change: c.3408-136T>C on transcript NM_001013703.4 (MANE Select); 136 bases into the intron before coding-DNA position 3408, T replaced by C.
Molecular consequence: intron variant.
Genome position (GRCh38, 1-based): chr15:40,007,891, T>C. VCF-style: chr15-40007891-T-C. GRCh37 (hg19) VCF-style: chr15-40300092-T-C.
Identifiers: ClinVar variation 674671 (VCV000674671.2), dbSNP rs2279581, ClinGen allele CA14200730.